The following is an entry in ClinVar:

NM_014284.3(NCDN):c.676A>T (p.Ser226Cys)

Gene: NCDN (neurochondrin; plus strand). Cytogenetic location: 1p34.3.
Variant type: single nucleotide variant.
Coding change: c.676A>T on transcript NM_014284.3 (MANE Select); coding-DNA position 676, A replaced by T.
Protein change: p.Ser226Cys; replaces serine 226 with cysteine.
Molecular consequence: missense variant.
Genome position (GRCh38, 1-based): chr1:35,560,827, A>T. VCF-style: chr1-35560827-A-T. GRCh37 (hg19) VCF-style: chr1-36026428-A-T.
Other names: c.676A>T, p.Ser226Cys (NM_001014839.2); c.625A>T, p.Ser209Cys (NM_001014841.2); short protein forms S226C, S209C.
Identifiers: ClinVar variation 1974572 (VCV001974572.5), dbSNP rs2522864241, ClinGen allele CA339343898.

ClinVar aggregate classification (germline): Uncertain significance (1 of 4 stars; one submission).

Submission:

Labcorp Genetics (formerly Invitae), Labcorp
Classification: Uncertain significance. Last evaluated: 2022-04-19. Review status: criteria provided, single submitter. Criteria: Invitae Variant Classification Sherloc (09022015). Collection method: clinical testing. Allele origin: germline.
Comment: In summary, the available evidence is currently insufficient to determine the role of this variant in disease. Therefore, it has been classified as a Variant of Uncertain Significance. Algorithms developed to predict the effect of missense changes on protein structure and function are either unavailable or do not agree on the potential impact of this missense change (SIFT: "Deleterious"; PolyPhen-2: "Benign"; Align-GVGD: "Class C15"). This variant has not been reported in the literature in individuals affected with NCDN-related conditions. This variant is not present in population databases (gnomAD no frequency). This sequence change replaces serine, which is neutral and polar, with cysteine, which is neutral and slightly polar, at codon 226 of the NCDN protein (p.Ser226Cys).